The following is an entry in ClinVar:

ClinVar aggregate classification (germline): Likely pathogenic (1 of 4 stars; one submission).

Conditions:
Hereditary cancer-predisposing syndrome. Also called: Neoplastic Syndromes, Hereditary; Tumor predisposition; Hereditary Cancer Syndrome; Hereditary neoplastic syndrome. Identifiers: Orphanet 140162, MedGen C0027672, MeSH D009386, MONDO:0015356.

Submissions (2):

Ambry Genetics
Classification: Likely pathogenic for Hereditary cancer-predisposing syndrome. Last evaluated: 2025-01-13. Review status: criteria provided, single submitter. Criteria: Ambry Variant Classification Scheme 2023. Collection method: clinical testing. Allele origin: germline.
Comment: The p.C27R variant (also known as c.79T>C), located in coding exon 1 of the BRCA1 gene, results from a T to C substitution at nucleotide position 79. The cysteine at codon 27 is replaced by arginine, an amino acid with highly dissimilar properties. One functional study found that this nucleotide substitution is non-functional in a high throughput genome editing haploid cell survival assay (Findlay GM et al. Nature, 2018 Oct;562:217-222). This amino acid position is highly conserved in available vertebrate species. In addition, this alteration is predicted to be deleterious by in silico analysis. Based on the majority of available evidence to date, this variant is likely to be pathogenic.

Brotman Baty Institute, University of Washington
No classification provided (evidence only). Condition: Breast-ovarian cancer, familial 1. Review status: no classification provided. Collection method: in vitro. Allele origin: not applicable. Functional consequence: functionally_abnormal. Not counted in ClinVar's aggregate classification.
ClinVar note: "not provided" was previously submitted as the classification for the variant. However, the classification appeared to be based only on an observation of functional data so it was converted to no classification on 2025-07-30.

Literature cited by the submitters: PubMed 30209399 (cited by Ambry Genetics).

NM_007294.4(BRCA1):c.79T>C (p.Cys27Arg)

Gene: BRCA1 (BRCA1 DNA repair associated; minus strand). Cytogenetic location: 17q21.31.
Variant type: single nucleotide variant.
Coding change: c.79T>C on transcript NM_007294.4 (MANE Select); coding-DNA position 79, T replaced by C.
Protein change: p.Cys27Arg; replaces cysteine 27 with arginine.
Molecular consequence: missense variant. On other transcripts: 5 prime UTR variant (1), non-coding transcript variant (1).
Genome position (GRCh38, 1-based): chr17:43,124,018, A>G on the plus strand (T>C on the coding strand, the complement: BRCA1 is on the minus strand). VCF-style: chr17-43124018-A-G. GRCh37 (hg19) VCF-style: chr17-41276035-A-G.
Other names: c.-110T>C (NM_001407571.1, NM_001407853.1, NM_001407879.1 and 46 more transcripts); c.79T>C, p.Cys27Arg (NM_001407581.1, NM_001407582.1, NM_001407583.1 and 192 more transcripts); c.-179T>C (NM_001407694.1, NM_001407724.1, NM_001407727.1 and 11 more transcripts); c.-183T>C (NM_001407695.1, NM_001408465.1); c.-324T>C (NM_001407696.1); c.-208T>C (NM_001407697.1, NM_001407846.1, NM_001407920.1); c.-9T>C (NM_001407698.1, NM_001407732.1, NM_001407736.1 and 23 more transcripts); c.-182T>C (NM_001407725.1, NM_001407730.1, NM_001407734.1 and 22 more transcripts); and 9 more; short protein forms C27R, W27R.
Identifiers: ClinVar variation 867750 (VCV000867750.4), dbSNP rs2055713838, ClinGen allele CA10602000.
Genomic context (GRCh38, chr17:43,124,018, plus strand): 5'-CATTTGCATAGGAGATAATCATAGGAATCCCAAATTAATACACTCTTGTGCTGACTTACC[A>G]GATGGGACACTCTAAGATTTTCTGCATAGCATTAATGACATTTTGTACTTCTTCAACGCG-3'
Protein context (NP_009225.1, residues 17-37): AMQKILECPI[Cys27Arg]LELIKEPVST